The following is an entry in ClinVar:

NM_001377265.1(MAPT):c.745G>A (p.Gly249Arg)

Gene: MAPT (microtubule associated protein tau). Cytogenetic location: 17q21.31.
Variant type: single nucleotide variant.
Coding change: c.745G>A on transcript NM_001377265.1 (MANE Select); coding-DNA position 745, G replaced by A.
Protein change: p.Gly249Arg; replaces glycine 249 with arginine.
Molecular consequence: missense variant. On other transcripts: intron variant (8).
Genome position (GRCh38, 1-based): chr17:45,983,324, G>A. VCF-style: chr17-45983324-G-A. GRCh37 (hg19) VCF-style: chr17-44060690-G-A.
Other names: c.200-3716G>A (NM_016841.5, NM_001377268.1, NM_016834.5); c.520G>A, p.Gly174Arg (NM_001123066.4, NM_016835.5); c.745G>A, p.Gly249Arg (NM_001377266.1); c.374-3716G>A (NM_005910.6, NM_001203252.2); c.287-3716G>A (NM_001123067.4, NM_001203251.2, NM_001377267.1); short protein forms G174R, G249R.
Identifiers: ClinVar variation 4849949 (VCV004849949.1).

ClinVar aggregate classification (germline): Uncertain significance (0 of 4 stars; one submission).

Conditions:
Frontotemporal dementia (FTD1). Also called: Frontotemporal Dementia with Parkinsonism-17 (FTDP-17); Frontotemporal lobe dementia (FLDEM); FRONTOTEMPORAL LOBAR DEGENERATION WITH TAU INCLUSIONS; FTLD WITH TAU INCLUSIONS; FRONTOTEMPORAL DEMENTIA WITH PARKINSONISM; FRONTOTEMPORAL LOBE DEMENTIA. Identifiers: Orphanet 282, MedGen C0338451, MONDO:0017276, OMIM 600274, HP:0002145.

gnomAD v4.1: 1 of 1,602,060 alleles (0.000062%); highest among the groups gnomAD compares: Non-Finnish European, 0.000085%; no homozygotes.

Submission:

Medical Genetics Unit, Mauro Baschirotto Institute for Rare Disease
Classification: Uncertain significance for Frontotemporal dementia. Last evaluated: 2026-04-20. Review status: no assertion criteria provided. Collection method: clinical testing. Allele origin: germline. Affected: yes. Observed: 1 variant allele.
Comment: This variant was interpreted by the AD-FTD Italian Consortium, including the following participating institutions: Mauro Baschirotto Institute for Rare Disease, Medical Genetics Unit (Dr Paola de Gemmis, Dr Daniela Segat, Dr Chiara Stefani); Neurology Unit, Department of Biomedicine, Neurosciences and Advanced Diagnostics, University of Palermo, Italy (Dr Tommaso Piccoli); Neurology Unit, Santa Maria della Misericordia Hospital, Perugia, Italy (Dr Lorenzo Gaetani). The participating laboratories jointly contributed to patient recruitment, clinical data collection, and variant interpretation and classification. The c.745G>A;p.Gly249Arg variant in MAPT results in the substitution of a highly conserved glycine residue with arginine at codon 249 of the encoded protein. This is a non-synonymous (missense) change that alters the physicochemical properties of the amino acid at this position, replacing a small, non-polar residue with a larger, positively charged one. This missense change located in exon 5 of the gene is reported in gnomAD with an overall allele frequency of 0.0001%. Computational prediction scores include: SIFT prediction (benign moderate, score 0.774), FATHMM prediction (uncertain, score 3.07) and REVEL (benign moderate, score 0.05). Taken together all of these data suggest an uncertain significance classification for this variant.